The following is an entry in ClinVar:

ClinVar aggregate classification (germline): Uncertain significance (1 of 4 stars; one submission).

Submission:

GeneDx
Classification: Uncertain significance. Last evaluated: 2019-04-30. Review status: criteria provided, single submitter. Criteria: GeneDx Variant Classification Process June 2021. Collection method: clinical testing. Allele origin: germline. Affected: yes.
Comment: Not observed in large population cohorts (Lek et al., 2016); Missense variant in a gene in which most reported pathogenic variants are truncating/loss-of-function

NM_001267550.2(TTN):c.90949G>A (p.Val30317Met)

Genes: TTN (titin; minus strand), TTN-AS1 (TTN antisense RNA 1; plus strand). Cytogenetic location: 2q31.2.
Variant type: single nucleotide variant.
Coding change: c.90949G>A on transcript NM_001267550.2 (MANE Select); coding-DNA position 90949, G replaced by A.
Protein change: p.Val30317Met; replaces valine 30317 with methionine.
Molecular consequence: missense variant.
Genome position (GRCh38, 1-based): chr2:178,551,951, C>T on the plus strand (G>A on the coding strand, the complement: TTN is on the minus strand). VCF-style: chr2-178551951-C-T. GRCh37 (hg19) VCF-style: chr2-179416678-C-T.
Other names: c.86026G>A, p.Val28676Met (NM_001256850.1); c.63754G>A, p.Val21252Met (NM_003319.4); c.83245G>A, p.Val27749Met (NM_133378.4); c.64129G>A, p.Val21377Met (NM_133432.3); c.64330G>A, p.Val21444Met (NM_133437.4); short protein forms V21252M, V21377M, V21444M, V27749M, V28676M, V30317M.
Identifiers: ClinVar variation 1305497 (VCV001305497.2), dbSNP rs2154150908, ClinGen allele CA349505272.